The following is an entry in ClinVar:

ClinVar aggregate classification (germline): Uncertain significance (1 of 4 stars; one submission).

Conditions:
Muscular dystrophy-dystroglycanopathy (congenital with brain and eye anomalies), type a, 11 (MDDGA11). Also called: WALKER-WARBURG SYNDROME OR MUSCLE-EYE-BRAIN DISEASE, B3GALNT2-RELATED; Congenital muscular dystrophy-dystroglycanopathy with brain and eye anomalies, type A11; Muscular dystrophy-dystroglycanopathy (congenital with brain and eye anomalies, type A, 11. Identifiers: Orphanet 588, Orphanet 899, MedGen C3554638, MONDO:0014071, OMIM 615181.

Allele frequency attached by ClinVar (database versions not stated): gnomAD exomes below 0.00001; ExAC 0.00001.
gnomAD v4.1: 2 of 1,613,684 alleles (0.00012%); highest among the groups gnomAD compares: African/African-American, 0.0027%; no homozygotes.

Submission:

Labcorp Genetics (formerly Invitae), Labcorp
Classification: Uncertain significance for Muscular dystrophy-dystroglycanopathy (congenital with brain and eye anomalies), type a, 11. Last evaluated: 2020-09-24. Review status: criteria provided, single submitter. Criteria: Invitae Variant Classification Sherloc (09022015). Collection method: clinical testing. Allele origin: germline.
Comment: This variant has not been reported in the literature in individuals with B3GALNT2-related conditions. In summary, the available evidence is currently insufficient to determine the role of this variant in disease. Therefore, it has been classified as a Variant of Uncertain Significance. Algorithms developed to predict the effect of missense changes on protein structure and function are either unavailable or do not agree on the potential impact of this missense change (SIFT: "Tolerated"; PolyPhen-2: "Probably Damaging"; Align-GVGD: "Class C0"). This variant is present in population databases (rs766801682, ExAC 0.01%). This sequence change replaces glutamic acid with lysine at codon 220 of the B3GALNT2 protein (p.Glu220Lys). The glutamic acid residue is highly conserved and there is a small physicochemical difference between glutamic acid and lysine.

NM_152490.5(B3GALNT2):c.658G>A (p.Glu220Lys)

Gene: B3GALNT2 (beta-1,3-N-acetylgalactosaminyltransferase 2; minus strand). Cytogenetic location: 1q42.3.
Variant type: single nucleotide variant.
Coding change: c.658G>A on transcript NM_152490.5 (MANE Select); coding-DNA position 658, G replaced by A.
Protein change: p.Glu220Lys; replaces glutamic acid 220 with lysine.
Molecular consequence: missense variant.
Genome position (GRCh38, 1-based): chr1:235,470,954, C>T on the plus strand (G>A on the coding strand, the complement: B3GALNT2 is on the minus strand). VCF-style: chr1-235470954-C-T. GRCh37 (hg19) VCF-style: chr1-235634268-C-T.
Other names: c.781G>A, p.Glu261Lys (NM_001277155.3); short protein forms E220K, E261K.
Identifiers: ClinVar variation 1063045 (VCV001063045.5), dbSNP rs766801682, ClinGen allele CA1464833.